The following is an entry in ClinVar:

NM_025114.4(CEP290):c.251-19dup

Gene: CEP290 (centrosomal protein 290; minus strand). Cytogenetic location: 12q21.32.
Variant type: Duplication.
Coding change: c.251-19dup on transcript NM_025114.4 (MANE Select); 19 bases into the intron before coding-DNA position 251, one base duplicated (T; older notation c.251-19dupT).
Molecular consequence: intron variant.
Genome position (GRCh38, 1-based): chr12:88,139,202, A duplicated on the plus strand (T on the coding strand, the reverse complement: CEP290 is on the minus strand); the first of 9 consecutive A bases (chr12:88,139,202-88,139,210); duplicating any one gives the same sequence. VCF-style (leftmost placement, unchanged base first): chr12-88139201-T-TA. GRCh37 (hg19) VCF-style: chr12-88532978-T-TA.
Other names: c.251-11dupT (NM_025114.3).
Identifiers: ClinVar variation 598333 (VCV000598333.19), dbSNP rs752284551, ClinGen allele CA6712860.

ClinVar aggregate classification (germline): Conflicting classifications of pathogenicity. Review status: criteria provided, conflicting classifications (1 of 4 stars). 5 submissions from 5 submitters: Uncertain significance (1); Benign (1); Likely benign (2). 1 of the submissions does not count toward it. Last evaluated 2024-10-11.

Conditions:
CEP290-related disorder. Also called: CEP290-related condition; CEP290-related disorders. Identifiers: MedGen CN239314.
Joubert syndrome. Also called: Familial aplasia of the vermis; JOUBERT-BOLTSHAUSER SYNDROME. Identifiers: Orphanet 475, MedGen C5979921, MONDO:0018772.
Meckel-Gruber syndrome. Also called: DYSENCEPHALIA SPLANCHNOCYSTICA; GRUBER SYNDROME; Dysencephalia splachnocystica. Identifiers: Orphanet 564, MedGen C0265215, MONDO:0018921.
Nephronophthisis. Also called: Juvenile Nephronophthisis. Identifiers: Orphanet 655, MedGen C0687120, MONDO:0019005, HP:0000090.

Submissions (5):

Blueprint Genetics
Classification: Likely benign. Last evaluated: 2024-10-11. Review status: criteria provided, single submitter. Criteria: ACMG Guidelines, 2015. Collection method: clinical testing. Allele origin: germline.

Labcorp Genetics (formerly Invitae), Labcorp
Classification: Benign for Joubert syndrome; Meckel-Gruber syndrome; Nephronophthisis. Last evaluated: 2024-04-14. Review status: criteria provided, single submitter. Criteria: Invitae Variant Classification Sherloc (09022015). Collection method: clinical testing. Allele origin: germline.

GeneDx
Classification: Likely benign. Last evaluated: 2021-06-18. Review status: criteria provided, single submitter. Criteria: GeneDx Variant Classification Process June 2021. Collection method: clinical testing. Allele origin: germline. Affected: yes.

Eurofins Ntd Llc (ga)
Classification: Uncertain significance. Last evaluated: 2018-08-15. Review status: criteria provided, single submitter. Criteria: EGL ClinVar v180209 classification definitions. Collection method: clinical testing. Allele origin: germline. Observed: 1 variant allele, 1 heterozygote.

PreventionGenetics, part of Exact Sciences
Classification: Likely benign for CEP290-related condition. Last evaluated: 2022-09-24. Review status: no assertion criteria provided. Collection method: clinical testing. Allele origin: germline. Not counted in ClinVar's aggregate classification.
Comment: This variant is classified as likely benign based on ACMG/AMP sequence variant interpretation guidelines (Richards et al. 2015 PMID: 25741868, with internal and published modifications).